The following is an entry in ClinVar:

ClinVar aggregate classification (germline): Conflicting classifications of pathogenicity. Review status: criteria provided, conflicting classifications (1 of 4 stars). 4 submissions from 4 submitters: Uncertain significance (1); Likely benign (3). Last evaluated 2026-02-02.

Conditions:
Cardiovascular phenotype. Identifiers: MedGen CN230736.
EYA4-related disorder. Also called: EYA4-related condition; EYA4-related disorders. Identifiers: MedGen CN239388.
Dilated cardiomyopathy 1J (CMD1J). Also called: CARDIOMYOPATHY, DILATED, WITH SENSORINEURAL HEARING LOSS, AUTOSOMAL DOMINANT. Identifiers: Orphanet 217622, MedGen C1854368, MONDO:0011541, OMIM 605362.

Allele frequency attached by ClinVar (database versions not stated): TOPMed 0.00005; ExAC 0.00010; 1000 Genomes Project 30x 0.00016; gnomAD 0.00017 and 0.00019; 1000 Genomes Project 0.00020.
gnomAD v4.1: 157 of 1,613,844 alleles (0.0097%); highest among the groups gnomAD compares: African/African-American, 0.0067%; no homozygotes.

Submissions (4):

Labcorp Genetics (formerly Invitae), Labcorp
Classification: Uncertain significance for Dilated cardiomyopathy 1J. Last evaluated: 2026-02-02. Review status: criteria provided, single submitter. Criteria: Invitae Variant Classification Sherloc (09022015). Collection method: clinical testing. Allele origin: germline.
Comment: This sequence change replaces valine, which is neutral and non-polar, with isoleucine, which is neutral and non-polar, at codon 499 of the EYA4 protein (p.Val499Ile). This variant is present in population databases (rs142122118, gnomAD 0.2%), and has an allele count higher than expected for a pathogenic variant. This missense change has been observed in individual(s) with dilated cardiomyopathy (PMID: 26084686). ClinVar contains an entry for this variant (Variation ID: 534385). Invitae Evidence Modeling of protein sequence and biophysical properties (such as structural, functional, and spatial information, amino acid conservation, physicochemical variation, residue mobility, and thermodynamic stability) indicates that this missense variant is not expected to disrupt EYA4 protein function with a negative predictive value of 80%. In summary, the available evidence is currently insufficient to determine the role of this variant in disease. Therefore, it has been classified as a Variant of Uncertain Significance.

PreventionGenetics, part of Exact Sciences
Classification: Likely benign for EYA4-related condition. Last evaluated: 2025-08-07. Review status: criteria provided, single submitter. Criteria: ACMG Guidelines, 2015. Collection method: clinical testing. Allele origin: germline.
Comment: This variant is classified as likely benign based on ACMG/AMP sequence variant interpretation guidelines (Richards et al. 2015 PMID: 25741868, with internal and published modifications).

GeneDx
Classification: Likely benign. Last evaluated: 2020-11-09. Review status: criteria provided, single submitter. Criteria: GeneDx Variant Classification Process June 2021. Collection method: clinical testing. Allele origin: germline. Affected: yes.
Comment: This variant is associated with the following publications: (PMID: 26084686)

Ambry Genetics
Classification: Likely benign for Cardiovascular phenotype. Last evaluated: 2019-01-25. Review status: criteria provided, single submitter. Criteria: Ambry Variant Classification Scheme 2023. Collection method: clinical testing. Allele origin: germline.

Literature cited by the submitters: PubMed 26084686 (cited by Labcorp Genetics (formerly Invitae), Labcorp and Ambry Genetics).

NM_004100.5(EYA4):c.1495G>A (p.Val499Ile)

Genes: EYA4 (EYA transcriptional coactivator and phosphatase 4; plus strand), TARID (TCF21 antisense RNA inducing promoter demethylation; minus strand). Cytogenetic location: 6q23.2.
Variant type: single nucleotide variant.
Coding change: c.1495G>A on transcript NM_004100.5 (MANE Select); coding-DNA position 1495, G replaced by A.
Protein change: p.Val499Ile; replaces valine 499 with isoleucine.
Molecular consequence: missense variant.
Genome position (GRCh38, 1-based): chr6:133,513,032, G>A. VCF-style: chr6-133513032-G-A. GRCh37 (hg19) VCF-style: chr6-133834170-G-A.
Other names: c.1333G>A, p.Val445Ile (NM_001301012.2); c.1513G>A, p.Val505Ile (NM_001301013.2); c.1426G>A, p.Val476Ile (NM_001370458.1, NM_172103.4); c.1351G>A, p.Val451Ile (NM_001370459.1); c.1495G>A, p.Val499Ile (NM_172105.4); short protein forms V499I, V476I, V505I, V451I, V445I.
Identifiers: ClinVar variation 534385 (VCV000534385.18), dbSNP rs142122118, ClinGen allele CA4008365.